The following is an entry in ClinVar:

ClinVar aggregate classification (germline): Conflicting classifications of pathogenicity. Review status: criteria provided, conflicting classifications (1 of 4 stars). 2 submissions from 2 submitters: Pathogenic (1); Uncertain significance (1). Last evaluated 2021-09-15.

Conditions:
Epidermolysis bullosa dystrophica. Also called: Dystrophic epidermolysis bullosa, Hallopeau-Siemens type (formerly); Dystrophic epidermolysis bullosa. Identifiers: Orphanet 303, MedGen C0079294, MONDO:0006543.

Submissions (2):

Labcorp Genetics (formerly Invitae), Labcorp
Classification: Uncertain significance. Last evaluated: 2021-09-15. Review status: criteria provided, single submitter. Criteria: Invitae Variant Classification Sherloc (09022015). Collection method: clinical testing. Allele origin: germline.
Comment: This sequence change falls in intron 94 of the COL7A1 gene. It does not directly change the encoded amino acid sequence of the COL7A1 protein. It affects a nucleotide within the consensus splice site of the intron. This variant is not present in population databases (ExAC no frequency). This variant has not been reported in the literature in individuals affected with COL7A1-related conditions. ClinVar contains an entry for this variant (Variation ID: 1048046). Variants that disrupt the consensus splice site are a relatively common cause of aberrant splicing (PMID: 17576681, 9536098). Algorithms developed to predict the effect of sequence changes on RNA splicing suggest that this variant may disrupt the consensus splice site. In summary, the available evidence is currently insufficient to determine the role of this variant in disease. Therefore, it has been classified as a Variant of Uncertain Significance.

Biomedical Innovation Departament, CIEMAT
Classification: Pathogenic for Dystrophic epidermolysis bullosa. Last evaluated: 2018-11-26. Review status: criteria provided, single submitter. Criteria: ACMG Guidelines, 2015. Collection method: research. Allele origin: germline. Affected: yes. Observed: 1 variant allele.

Literature cited by the submitters: PubMed 17576681 (cited by Labcorp Genetics (formerly Invitae), Labcorp); PubMed 9536098 (cited by Labcorp Genetics (formerly Invitae), Labcorp).

NM_000094.4(COL7A1):c.7272+5G>A

Gene: COL7A1 (collagen type VII alpha 1 chain; minus strand). Cytogenetic location: 3p21.31.
Variant type: single nucleotide variant.
Coding change: c.7272+5G>A on transcript NM_000094.4 (MANE Select); 5 bases into the intron after coding-DNA position 7272, G replaced by A.
Molecular consequence: intron variant.
Genome position (GRCh38, 1-based): chr3:48,570,856, C>T on the plus strand (G>A on the coding strand, the complement: COL7A1 is on the minus strand). VCF-style: chr3-48570856-C-T. GRCh37 (hg19) VCF-style: chr3-48608289-C-T.
Identifiers: ClinVar variation 1048046 (VCV001048046.4), dbSNP rs2043871373, ClinGen allele CA1363080485.
Genomic context (GRCh38, chr3:48,570,856, plus strand): 5'-GCAGGGCCCCCTCCTCACCCACCATGGATTCACCATGCCCCTACATGCTGTTCCCAGCCC[C>T]TCACCCGCTCTCCACTAGGGCCTGGCTGACCCATCTCTCCTCGAGGGCCTGTCTGACCCG-3'